The following is an entry in ClinVar:

NM_006269.2(RP1):c.1948G>T (p.Ala650Ser)

Gene: RP1 (RP1 axonemal microtubule associated; plus strand). Cytogenetic location: 8q12.1.
Variant type: single nucleotide variant.
Coding change: c.1948G>T on transcript NM_006269.2 (MANE Select); coding-DNA position 1948, G replaced by T.
Protein change: p.Ala650Ser; replaces alanine 650 with serine.
Molecular consequence: missense variant. On other transcripts: intron variant (1).
Genome position (GRCh38, 1-based): chr8:54,625,830, G>T. VCF-style: chr8-54625830-G-T. GRCh37 (hg19) VCF-style: chr8-55538390-G-T.
Other names: c.787+3542G>T (NM_001375654.1); short protein forms A650S.
Identifiers: ClinVar variation 1379994 (VCV001379994.6), dbSNP rs1806027730, ClinGen allele CA370992401.
Genomic context (GRCh38, chr8:54,625,830, plus strand): 5'-CCAGCTTCAGAAGCATCCTCTACTGTCACTGCAAGAATTGACAGACTAATTAATGAATTT[G>T]CTCAGTGTGGTTTAACAAAACTTCCAAAAAATGAAAAGAAGATTTTGTCATCTGTTGCCA-3'
Protein context (NP_006260.1, residues 640-660): ARIDRLINEF[Ala650Ser]QCGLTKLPKN

ClinVar aggregate classification (germline): Uncertain significance (1 of 4 stars; one submission).

Allele frequency attached by ClinVar (database versions not stated): gnomAD exomes below 0.00001.

Submission:

Labcorp Genetics (formerly Invitae), Labcorp
Classification: Uncertain significance. Last evaluated: 2022-07-14. Review status: criteria provided, single submitter. Criteria: Invitae Variant Classification Sherloc (09022015). Collection method: clinical testing. Allele origin: germline.
Comment: In summary, the available evidence is currently insufficient to determine the role of this variant in disease. Therefore, it has been classified as a Variant of Uncertain Significance. Algorithms developed to predict the effect of missense changes on protein structure and function output the following: SIFT: "Tolerated"; PolyPhen-2: "Benign"; Align-GVGD: "Class C0". The serine amino acid residue is found in multiple mammalian species, which suggests that this missense change does not adversely affect protein function. ClinVar contains an entry for this variant (Variation ID: 1379994). This variant has not been reported in the literature in individuals affected with RP1-related conditions. This variant is not present in population databases (gnomAD no frequency). This sequence change replaces alanine, which is neutral and non-polar, with serine, which is neutral and polar, at codon 650 of the RP1 protein (p.Ala650Ser).